The following is an entry in ClinVar:

NM_000465.4(BARD1):c.255G>A (p.Val85=)

Gene: BARD1 (BRCA1 associated RING domain 1; minus strand). Cytogenetic location: 2q35.
Variant type: single nucleotide variant.
Coding change: c.255G>A on transcript NM_000465.4 (MANE Select); coding-DNA position 255, G replaced by A.
Protein change: p.Val85=; no amino-acid change (valine 85 retained).
Molecular consequence: synonymous variant. On other transcripts: non-coding transcript variant (1), intron variant (2).
Genome position (GRCh38, 1-based): chr2:214,792,406, C>T on the plus strand (G>A on the coding strand, the complement: BARD1 is on the minus strand). VCF-style: chr2-214792406-C-T. GRCh37 (hg19) VCF-style: chr2-215657130-C-T.
Other names: c.255G>A (NM_000465.2); c.198G>A, p.Val66= (NM_001282543.2); c.255G>A, p.Val85= (NM_001282549.2); c.158+17006G>A (NM_001282548.2); c.215+4655G>A (NM_001282545.2).
Identifiers: ClinVar variation 2739909 (VCV002739909.5), dbSNP rs769046326, ClinGen allele CA2090459.

ClinVar aggregate classification (germline): Benign/Likely benign. Review status: criteria provided, multiple submitters, no conflicts (2 of 4 stars). 3 submissions from 3 submitters: Benign (1); Likely benign (2). Last evaluated 2024-07-19.

Conditions:
Hereditary cancer-predisposing syndrome. Also called: Hereditary Cancer Syndrome; Neoplastic Syndromes, Hereditary; Hereditary neoplastic syndrome; Tumor predisposition. Identifiers: Orphanet 140162, MedGen C0027672, MeSH D009386, MONDO:0015356.
Familial cancer of breast. Also called: hereditary breast carcinoma; Hereditary breast cancer; BREAST CANCER, FAMILIAL. Identifiers: Orphanet 227535, MedGen C0346153, MONDO:0016419, OMIM 114480. Disease mechanism: loss of function.

Allele frequency attached by ClinVar (database versions not stated): ExAC 0.00001.
gnomAD v4.1: 1 of 1,608,802 alleles (0.000062%); no homozygotes.

Submissions (3):

Myriad Genetics, Inc.
Classification: Benign for Familial cancer of breast. Last evaluated: 2024-07-19. Review status: criteria provided, single submitter. Criteria: Myriad Autosomal Dominant, Autosomal Recessive and X-Linked Classification Criteria (2023). Collection method: clinical testing. Allele origin: unknown.
Comment: This variant is considered benign. This variant is a silent/synonymous amino acid change and it is not expected to impact splicing.

Labcorp Genetics (formerly Invitae), Labcorp
Classification: Likely benign for Familial cancer of breast. Last evaluated: 2024-05-29. Review status: criteria provided, single submitter. Criteria: Invitae Variant Classification Sherloc (09022015). Collection method: clinical testing. Allele origin: germline.

Ambry Genetics
Classification: Likely benign for Hereditary cancer-predisposing syndrome. Last evaluated: 2023-10-12. Review status: criteria provided, single submitter. Criteria: Ambry Variant Classification Scheme 2023. Collection method: clinical testing. Allele origin: germline.